The following is an entry in ClinVar:

NM_001845.6(COL4A1):c.1753C>T (p.Arg585Cys)

Gene: COL4A1 (collagen type IV alpha 1 chain; minus strand). Cytogenetic location: 13q34.
Variant type: single nucleotide variant.
Coding change: c.1753C>T on transcript NM_001845.6 (MANE Select); coding-DNA position 1753, C replaced by T.
Protein change: p.Arg585Cys; replaces arginine 585 with cysteine.
Molecular consequence: missense variant.
Genome position (GRCh38, 1-based): chr13:110,186,529, G>A on the plus strand (C>T on the coding strand, the complement: COL4A1 is on the minus strand). VCF-style: chr13-110186529-G-A. GRCh37 (hg19) VCF-style: chr13-110838876-G-A.
Other names: c.1753C>T (NM_001845.5); short protein forms R585C.
Identifiers: ClinVar variation 1628327 (VCV001628327.11), dbSNP rs374223828, ClinGen allele CA7047834.
Genomic context (GRCh38, chr13:110,186,529, plus strand): 5'-GCCCAGGGGGGCCGGTGTCACCACGACTGCCTGGGAATCCAACTCCTCCAGGGGGGCCAC[G>A]CTCTCCTTTCAATCCTACAGAACCCTGATGTGAGAAGAAGAAAAAGACACCGTTATCAGA-3'
Protein context (NP_001836.3, residues 575-595): SPGSVGLKGE[Arg585Cys]GPPGGVGFPG

ClinVar aggregate classification (germline): Conflicting classifications of pathogenicity. Review status: criteria provided, conflicting classifications (1 of 4 stars). 3 submissions from 3 submitters: Uncertain significance (1); Likely benign (1). 1 of the submissions does not count toward it. Last evaluated 2026-01-11.

Conditions:
COL4A1-related disorder. Also called: COL4A1-related disorders; COL4A1-related condition. Identifiers: MedGen CN376119, MONDO:0800461.

Allele frequency attached by ClinVar (database versions not stated): gnomAD exomes 0.00006; gnomAD 0.00015 and 0.00014; ExAC 0.00009; TOPMed 0.00011; ESP Exome Variant Server 0.00023.
gnomAD v4.1: 53 of 1,613,842 alleles (0.0033%); highest among the groups gnomAD compares: African/African-American, 0.035%; no homozygotes.

Submissions (3):

Labcorp Genetics (formerly Invitae), Labcorp
Classification: Likely benign. Last evaluated: 2026-01-11. Review status: criteria provided, single submitter. Criteria: Invitae Variant Classification Sherloc (09022015). Collection method: clinical testing. Allele origin: germline.

GeneDx
Classification: Uncertain significance. Last evaluated: 2022-11-21. Review status: criteria provided, single submitter. Criteria: GeneDx Variant Classification Process June 2021. Collection method: clinical testing. Allele origin: germline. Affected: yes.
Comment: Has not been previously published as pathogenic or benign to our knowledge; In silico analysis supports that this missense variant has a deleterious effect on protein structure/function; Occurs in the triple helical domain at the Y position in the canonical Gly-X-Y repeat; although this variant may have an effect on normal protein folding and function, missense substitution at the Y position is not a common mechanism of disease (HGMD)

PreventionGenetics, part of Exact Sciences
Classification: Uncertain significance for COL4A1-related condition. Last evaluated: 2024-02-10. Review status: no assertion criteria provided. Collection method: clinical testing. Allele origin: germline. Not counted in ClinVar's aggregate classification.
Comment: The COL4A1 c.1753C>T variant is predicted to result in the amino acid substitution p.Arg585Cys. To our knowledge, this variant has not been reported in the literature. This variant is reported in 0.048% of alleles in individuals of African descent in gnomAD. Although we suspect this variant could be benign due to the relatively high allele frequency in gnomAD, at this time, the clinical significance of this variant is uncertain due to the absence of conclusive functional and genetic evidence.